The following is an entry in ClinVar:

NM_018368.4(LMBRD1):c.596C>T (p.Ser199Phe)

Gene: LMBRD1 (LMBR1 domain containing 1; minus strand). Cytogenetic location: 6q13.
Variant type: single nucleotide variant.
Coding change: c.596C>T on transcript NM_018368.4 (MANE Select); coding-DNA position 596, C replaced by T.
Protein change: p.Ser199Phe; replaces serine 199 with phenylalanine.
Molecular consequence: missense variant.
Genome position (GRCh38, 1-based): chr6:69,737,982, G>A on the plus strand (C>T on the coding strand, the complement: LMBRD1 is on the minus strand). VCF-style: chr6-69737982-G-A. GRCh37 (hg19) VCF-style: chr6-70447874-G-A.
Other names: c.377C>T, p.Ser126Phe (NM_001363722.2, NM_001367271.1, NM_001367272.1); short protein forms S199F, S126F.
Identifiers: ClinVar variation 642814 (VCV000642814.1), dbSNP rs1562105981, ClinGen allele CA364673934.

ClinVar aggregate classification (germline): Uncertain significance (1 of 4 stars; one submission).

Conditions:
Methylmalonic aciduria and homocystinuria type cblF. Also called: METHYLMALONIC ACIDEMIA AND HOMOCYSTINURIA, cblF TYPE; METHYLMALONIC ACIDURIA DUE TO VITAMIN B12-RELEASE DEFECT; VITAMIN B12 LYSOSOMAL RELEASE DEFECT; VITAMIN B12 STORAGE DISEASE; COBALAMIN F DISEASE; COBALAMIN, DEFECT IN LYSOSOMAL RELEASE OF. Identifiers: Orphanet 79284, MedGen C1848578, MONDO:0010183, OMIM 277380.

Allele frequency attached by ClinVar (database versions not stated): gnomAD exomes below 0.00001 and 0.00001; TOPMed below 0.00001.
gnomAD v4.1: 5 of 1,610,768 alleles (0.00031%); highest among the groups gnomAD compares: Non-Finnish European, 0.00042%; no homozygotes.

Submission:

Labcorp Genetics (formerly Invitae), Labcorp
Classification: Uncertain significance for METHYLMALONIC ACIDURIA AND HOMOCYSTINURIA, cblF TYPE. Last evaluated: 2018-12-18. Review status: criteria provided, single submitter. Criteria: Invitae Variant Classification Sherloc (09022015). Collection method: clinical testing. Allele origin: germline.
Comment: This sequence change replaces serine with phenylalanine at codon 199 of the LMBRD1 protein (p.Ser199Phe). The serine residue is highly conserved and there is a large physicochemical difference between serine and phenylalanine. This variant is not present in population databases (ExAC no frequency). This variant has not been reported in the literature in individuals with LMBRD1-related conditions. Algorithms developed to predict the effect of missense changes on protein structure and function are either unavailable or do not agree on the potential impact of this missense change (SIFT: "Deleterious"; PolyPhen-2: "Benign"; Align-GVGD: "Class C65"). In summary, the available evidence is currently insufficient to determine the role of this variant in disease. Therefore, it has been classified as a Variant of Uncertain Significance.